The following is an entry in ClinVar:

ClinVar aggregate classification (germline): Benign/Likely benign. Review status: criteria provided, multiple submitters, no conflicts (2 of 4 stars). 2 submissions from 2 submitters: Benign (1); Likely benign (1). Last evaluated 2026-09-28.

Conditions:
Neurofibromatosis, type 1 (NF1). Also called: VON RECKLINGHAUSEN DISEASE; NEUROFIBROMATOSIS, TYPE I, SOMATIC; Peripheral type neurofibromatosis; Neurofibromatosis, type I. Identifiers: Orphanet 636, MedGen C0027831, MONDO:0018975, OMIM 162200. Disease mechanism: loss of function.

Submissions (2):

Myriad Genetics, Inc.
Classification: Benign for Neurofibromatosis, type 1. Last evaluated: 2026-09-28. Review status: criteria provided, single submitter. Criteria: Myriad Autosomal Dominant, Autosomal Recessive and X-Linked Classification Criteria (2023). Collection method: clinical testing. Allele origin: unknown.
Comment: This variant is considered benign. This variant is a silent/synonymous amino acid change and it is not expected to impact splicing.

Labcorp Genetics (formerly Invitae), Labcorp
Classification: Likely benign for Neurofibromatosis, type 1. Last evaluated: 2023-05-30. Review status: criteria provided, single submitter. Criteria: Invitae Variant Classification Sherloc (09022015). Collection method: clinical testing. Allele origin: germline.

NM_001042492.3(NF1):c.5028A>C (p.Ala1676=)

Gene: NF1 (neurofibromin 1; plus strand). Cytogenetic location: 17q11.2.
Variant type: single nucleotide variant.
Coding change: c.5028A>C on transcript NM_001042492.3 (MANE Select); coding-DNA position 5028, A replaced by C.
Protein change: p.Ala1676=; no amino-acid change (alanine 1676 retained).
Molecular consequence: synonymous variant.
Genome position (GRCh38, 1-based): chr17:31,326,012, A>C. VCF-style: chr17-31326012-A-C. GRCh37 (hg19) VCF-style: chr17-29653030-A-C.
Other names: c.4965A>C, p.Ala1655= (NM_000267.4).
Identifiers: ClinVar variation 2749137 (VCV002749137.4), dbSNP rs778817599, ClinGen allele CA499233027.